The following is an entry in ClinVar:

NM_020778.5(ALPK3):c.2845C>G (p.Pro949Ala)

Gene: ALPK3 (alpha kinase 3; plus strand). Cytogenetic location: 15q25.3.
Variant type: single nucleotide variant.
Coding change: c.2845C>G on transcript NM_020778.5 (MANE Select); coding-DNA position 2845, C replaced by G.
Protein change: p.Pro949Ala; replaces proline 949 with alanine.
Molecular consequence: missense variant.
Genome position (GRCh38, 1-based): chr15:84,857,583, C>G. VCF-style: chr15-84857583-C-G. GRCh37 (hg19) VCF-style: chr15-85400814-C-G.
Other names: c.3451C>G (NM_020778.4); short protein forms P949A.
Identifiers: ClinVar variation 1904346 (VCV001904346.6), dbSNP rs1204323600, ClinGen allele CA393358568.

ClinVar aggregate classification (germline): Uncertain significance. Review status: criteria provided, multiple submitters, no conflicts (2 of 4 stars). 2 submissions from 2 submitters: Uncertain significance (2). Last evaluated 2026-04-18.

Conditions:
Cardiovascular phenotype. Identifiers: MedGen CN230736.

gnomAD v4.1: 3 of 1,573,192 alleles (0.00019%); highest among the groups gnomAD compares: Non-Finnish European, 0.00026%; no homozygotes.

Submissions (2):

Ambry Genetics
Classification: Uncertain significance for Cardiovascular phenotype. Last evaluated: 2026-04-18. Review status: criteria provided, single submitter. Criteria: Ambry Variant Classification Scheme 2023. Collection method: clinical testing. Allele origin: germline.
Comment: The p.P1151A variant (also known as c.3451C>G), located in coding exon 6 of the ALPK3 gene, results from a C to G substitution at nucleotide position 3451. The proline at codon 1151 is replaced by alanine, an amino acid with highly similar properties. This amino acid position is conserved. In addition, this alteration is predicted to be tolerated by in silico analysis. Based on the available evidence, the clinical significance of this variant remains unclear.

Labcorp Genetics (formerly Invitae), Labcorp
Classification: Uncertain significance. Last evaluated: 2021-12-17. Review status: criteria provided, single submitter. Criteria: Invitae Variant Classification Sherloc (09022015). Collection method: clinical testing. Allele origin: germline.
Comment: This variant is present in population databases (no rsID available, gnomAD 0.001%). This sequence change replaces proline, which is neutral and non-polar, with alanine, which is neutral and non-polar, at codon 1151 of the ALPK3 protein (p.Pro1151Ala). This variant has not been reported in the literature in individuals affected with ALPK3-related conditions. In summary, the available evidence is currently insufficient to determine the role of this variant in disease. Therefore, it has been classified as a Variant of Uncertain Significance. Algorithms developed to predict the effect of missense changes on protein structure and function output the following: SIFT: "Tolerated"; PolyPhen-2: "Benign"; Align-GVGD: "Class C0". The alanine amino acid residue is found in multiple mammalian species, which suggests that this missense change does not adversely affect protein function.